The following is an entry in ClinVar:

NM_002693.3(POLG):c.2777G>A (p.Ser926Asn)

Gene: POLG (DNA polymerase gamma, catalytic subunit; minus strand). Cytogenetic location: 15q26.1.
Variant type: single nucleotide variant.
Coding change: c.2777G>A on transcript NM_002693.3 (MANE Select); coding-DNA position 2777, G replaced by A.
Protein change: p.Ser926Asn; replaces serine 926 with asparagine.
Molecular consequence: missense variant.
Genome position (GRCh38, 1-based): chr15:89,320,970, C>T on the plus strand (G>A on the coding strand, the complement: POLG is on the minus strand). VCF-style: chr15-89320970-C-T. GRCh37 (hg19) VCF-style: chr15-89864201-C-T.
Other names: c.2777G>A, p.Ser926Asn (NM_001126131.2); short protein forms S926N.
Identifiers: ClinVar variation 1030582 (VCV001030582.2), dbSNP rs752971760, ClinGen allele CA7724350.

ClinVar aggregate classification (germline): Uncertain significance. Review status: criteria provided, multiple submitters, no conflicts (2 of 4 stars). 2 submissions from 2 submitters: Uncertain significance (2). Last evaluated 2019-02-13.

Conditions:
Progressive sclerosing poliodystrophy (MTDPS4A). Also called: Alpers Syndrome; ALPERS DIFFUSE DEGENERATION OF CEREBRAL GRAY MATTER WITH HEPATIC CIRRHOSIS; Mitochondrial DNA depletion syndrome 4A (Alpers type); Alpers-Huttenlocher Syndrome (AHS); Mitochondrial DNA Depletion Syndrome 4A; NEURONAL DEGENERATION OF CHILDHOOD WITH LIVER DISEASE, PROGRESSIVE. Identifiers: Orphanet 726, MedGen C0205710, MONDO:0008758, OMIM 203700.

Allele frequency attached by ClinVar (database versions not stated): TOPMed below 0.00001; gnomAD exomes 0.00001; ExAC 0.00002.
gnomAD v4.1: 3 of 1,613,458 alleles (0.00019%); highest among the groups gnomAD compares: Non-Finnish European, 0.00025%; no homozygotes.

Submissions (2):

Baylor Genetics
Classification: Uncertain significance for Progressive sclerosing poliodystrophy. Last evaluated: 2019-02-13. Review status: criteria provided, single submitter. Criteria: ACMG Guidelines, 2015. Collection method: clinical testing. Allele origin: paternal. Affected: yes.
Comment: This variant was determined to be of uncertain significance according to ACMG Guidelines, 2015 [PMID:25741868].

Blueprint Genetics
Classification: Uncertain significance. Last evaluated: 2018-06-12. Review status: criteria provided, single submitter. Criteria: ACMG Guidelines, 2015. Collection method: clinical testing. Allele origin: germline.